The following is an entry in ClinVar:

ClinVar aggregate classification (germline): Likely benign (1 of 4 stars; one submission).

Conditions:
PRPS1-related disorder. Also called: PRPS1-related condition.

Submission:

PreventionGenetics, part of Exact Sciences
Classification: Likely benign for PRPS1-related condition. Last evaluated: 2026-02-27. Review status: criteria provided, single submitter. Criteria: ACMG Guidelines, 2015. Collection method: clinical testing. Allele origin: germline.
Comment: This variant is classified as likely benign based on ACMG/AMP sequence variant interpretation guidelines (Richards et al. 2015 PMID: 25741868, with internal and published modifications).

NM_002764.4(PRPS1):c.621T>C (p.Leu207=)

Gene: PRPS1 (phosphoribosyl pyrophosphate synthetase 1; plus strand). Cytogenetic location: Xq22.3.
Variant type: single nucleotide variant.
Coding change: c.621T>C on transcript NM_002764.4 (MANE Select); coding-DNA position 621, T replaced by C.
Protein change: p.Leu207=; no amino-acid change (leucine 207 retained).
Molecular consequence: synonymous variant.
Genome position (GRCh38, 1-based): chrX:107,645,267, T>C. VCF-style: chrX-107645267-T-C. GRCh37 (hg19) VCF-style: chrX-106888497-T-C.
Other names: c.9T>C, p.Leu3= (NM_001204402.2).
Identifiers: ClinVar variation 4980236 (VCV004980236.1).